The following is an entry in ClinVar:

NM_182961.4(SYNE1):c.22347-84A>G

Gene: SYNE1 (spectrin repeat containing nuclear envelope protein 1; minus strand). Cytogenetic location: 6q25.2.
Variant type: single nucleotide variant.
Coding change: c.22347-84A>G on transcript NM_182961.4 (MANE Select); 84 bases into the intron before coding-DNA position 22347, A replaced by G.
Molecular consequence: intron variant.
Genome position (GRCh38, 1-based): chr6:152,213,843, T>C on the plus strand (A>G on the coding strand, the complement: SYNE1 is on the minus strand). VCF-style: chr6-152213843-T-C. GRCh37 (hg19) VCF-style: chr6-152534978-T-C.
Other names: c.22134-84A>G (NM_033071.5).
Identifiers: ClinVar variation 670696 (VCV000670696.1), dbSNP rs9479265, ClinGen allele CA150177224.

ClinVar aggregate classification (germline): Benign (1 of 4 stars; one submission).

Allele frequency attached by ClinVar (database versions not stated): gnomAD exomes 0.09935; gnomAD 0.10124 and 0.10512; TOPMed 0.11172; 1000 Genomes Project 0.14916; 1000 Genomes Project 30x 0.15100.
gnomAD v4.1: 157,317 of 1,571,342 alleles (10%); highest among the groups gnomAD compares: Admixed American, 19%; 9,092 homozygotes.

Submission:

GeneDx
Classification: Benign. Last evaluated: 2018-06-16. Review status: criteria provided, single submitter. Criteria: GeneDx Variant Classification (06012015). Collection method: clinical testing. Allele origin: germline. Affected: yes.
Comment: This variant is considered likely benign or benign based on one or more of the following criteria: it is a conservative change, it occurs at a poorly conserved position in the protein, it is predicted to be benign by multiple in silico algorithms, and/or has population frequency not consistent with disease.